The following is an entry in ClinVar:

GRCh38/hg38 17q21.32-21.33(chr17:48520885-49511208)x1

Genes: ABI3 (ABI family member 3; plus strand), ATP5MC1 (ATP synthase membrane subunit c locus 1; plus strand), B4GALNT2 (beta-1,4-N-acetyl-galactosaminyltransferase 2 (SID blood group); plus strand), CALCOCO2 (calcium binding and coiled-coil domain 2; plus strand), FLJ40194 (uncharacterized FLJ40194; plus strand) and 84 more. Cytogenetic location: 17q21.32-21.33.
Variant type: copy number loss.
Change: copy number 1 (one copy instead of two) of chr17:48,520,885-49,511,208 (990.3 kb, GRCh38 coordinates, 1-based), cytogenetic band 17q21.32-21.33.
Identifiers: ClinVar variation 59588 (VCV000059588.1).

ClinVar aggregate classification (germline): Pathogenic (1 of 4 stars; one submission).

Submission:

ISCA site 15
Classification: Pathogenic. Last evaluated: 2011-08-12. Review status: criteria provided, single submitter. Criteria: Kaminsky et al. (Genet Med. 2011). Collection method: clinical testing. Allele origin: maternal. Affected: yes. Observed: 1 variant allele.
Comment: Copy number variation identified through the course of routine clinical cytogenomic testing in postnatal populations. Clinical assertions have been curated as described in Kaminsky et al. 2011.